The following is an entry in ClinVar:

ClinVar aggregate classification (germline): Pathogenic (1 of 4 stars; one submission).

Submission:

GeneDx
Classification: Pathogenic. Last evaluated: 2025-05-21. Review status: criteria provided, single submitter. Criteria: GeneDx Variant Classification Process June 2021. Collection method: clinical testing. Allele origin: germline. Affected: yes.
Comment: In silico analysis supports that this missense variant has a deleterious effect on protein structure/function; Has not been previously published as pathogenic or benign to our knowledge; Not observed at significant frequency in large population cohorts (gnomAD); In silico analysis suggests this variant may impact gene splicing. In the absence of RNA/functional studies, the actual effect of this sequence change is unknown.

NM_001353345.2(SETD1B):c.5375G>T (p.Arg1792Leu)

Gene: SETD1B (SET domain containing 1B, histone lysine methyltransferase; plus strand). Cytogenetic location: 12q24.31.
Variant type: single nucleotide variant.
Coding change: c.5375G>T on transcript NM_001353345.2 (MANE Select); coding-DNA position 5375, G replaced by T.
Protein change: p.Arg1792Leu; replaces arginine 1792 with leucine.
Molecular consequence: missense variant.
Genome position (GRCh38, 1-based): chr12:121,827,556, G>T. VCF-style: chr12-121827556-G-T. GRCh37 (hg19) VCF-style: chr12-122265462-G-T.
Other names: short protein forms R1792L.
Identifiers: ClinVar variation 4530822 (VCV004530822.1).
Genomic context (GRCh38, chr12:121,827,556, plus strand): 5'-GCCCCGCACACCGTCCACTGCAGGGCATGAGCATCCCAGCACAGCCCCACGCCTCCACCC[G>T]GGCAGGCTCGGAGCGGCGTTCGGAGCAGCGCCGCCTGCTGTCCTCCTTCACTGGCAGCTG-3'
Protein context (NP_001340274.1, residues 1782-1802): SIPAQPHAST[Arg1792Leu]AGSERRSEQR